The following is an entry in ClinVar:

ClinVar aggregate classification (germline): Benign. Review status: criteria provided, single submitter (1 of 4 stars). 2 submissions from 2 submitters: Benign (1). 1 of the submissions does not count toward it. Last evaluated 2025-10-13.

Conditions:
Holoprosencephaly 9 (HPE9). Also called: PITUITARY ANOMALIES WITH HOLOPROSENCEPHALY-LIKE FEATURES; HOLOPROSENCEPHALY WITH MICROPHTHALMIA AND FIRST BRANCHIAL ARCH ANOMALIES. Identifiers: Orphanet 2162, MedGen C1835819, MONDO:0012563, OMIM 610829.
Postaxial polydactyly-anterior pituitary anomalies-facial dysmorphism syndrome. Also called: Culler-Jones syndrome. Identifiers: Orphanet 420584, MedGen C4014479, MONDO:0014369, OMIM 615849.
GLI2-related disorder. Also called: GLI2-related disorders; GLI2-related condition.

Allele frequency attached by ClinVar (database versions not stated): TOPMed 0.00021; gnomAD exomes 0.00161 and 0.00321; gnomAD 0.00090 and 0.00009; ExAC 0.00380; 1000 Genomes Project 30x 0.00547; 1000 Genomes Project 0.00639.
gnomAD v4.1: 2,478 of 1,610,102 alleles (0.15%); highest among the groups gnomAD compares: South Asian, 2.6%; 48 homozygotes.

Submissions (2):

Labcorp Genetics (formerly Invitae), Labcorp
Classification: Benign for Postaxial polydactyly-anterior pituitary anomalies-facial dysmorphism syndrome; Holoprosencephaly 9. Last evaluated: 2025-10-13. Review status: criteria provided, single submitter. Criteria: Invitae Variant Classification Sherloc (09022015). Collection method: clinical testing. Allele origin: germline.

PreventionGenetics, part of Exact Sciences
Classification: Benign for GLI2-related condition. Last evaluated: 2019-06-13. Review status: no assertion criteria provided. Collection method: clinical testing. Allele origin: germline. Not counted in ClinVar's aggregate classification.
Comment: This variant is classified as benign based on ACMG/AMP sequence variant interpretation guidelines (Richards et al. 2015 PMID: 25741868, with internal and published modifications).

NM_001374353.1(GLI2):c.321G>A (p.Pro107=)

Gene: GLI2 (GLI family zinc finger 2; plus strand). Cytogenetic location: 2q14.2.
Variant type: single nucleotide variant.
Coding change: c.321G>A on transcript NM_001374353.1 (MANE Select); coding-DNA position 321, G replaced by A.
Protein change: p.Pro107=; no amino-acid change (proline 107 retained).
Molecular consequence: synonymous variant. On other transcripts: 5 prime UTR variant (1).
Genome position (GRCh38, 1-based): chr2:120,951,309, G>A. VCF-style: chr2-120951309-G-A. GRCh37 (hg19) VCF-style: chr2-121708885-G-A.
Other names: c.321G>A, p.Pro107= (NM_001371271.1, NM_005270.5); c.-55G>A (NM_001374354.1).
Identifiers: ClinVar variation 703617 (VCV000703617.13), dbSNP rs578011257, ClinGen allele CA1851501.